The following is an entry in ClinVar:

NM_004937.3(CTNS):c.923G>C (p.Gly308Ala)

Gene: CTNS (cystinosin, lysosomal cystine transporter; plus strand). Cytogenetic location: 17p13.2.
Variant type: single nucleotide variant.
Coding change: c.923G>C on transcript NM_004937.3 (MANE Select); coding-DNA position 923, G replaced by C.
Protein change: p.Gly308Ala; replaces glycine 308 with alanine.
Molecular consequence: missense variant.
Genome position (GRCh38, 1-based): chr17:3,659,928, G>C. VCF-style: chr17-3659928-G-C. GRCh37 (hg19) VCF-style: chr17-3563222-G-C.
Other names: c.923G>C, p.Gly308Ala (NM_001031681.3, NM_001374492.1); c.482G>C, p.Gly161Ala (NM_001374493.1, NM_001374494.1, NM_001374495.1 and 1 more transcripts); c.923G>C (NM_004937.2); short protein forms G308A, G161A.
Identifiers: ClinVar variation 3581879 (VCV003581879.3).

ClinVar aggregate classification (germline): Conflicting classifications of pathogenicity. Review status: criteria provided, conflicting classifications (1 of 4 stars). 3 submissions from 3 submitters: Likely pathogenic (1); Uncertain significance (1). 1 of the submissions does not count toward it. Last evaluated 2025-09-03.

Conditions:
Cystinosis. Also called: Cystine diathesis; Cystine storage disease; Cystinoses. Identifiers: Orphanet 213, MedGen C4316899, MONDO:0016239.
Ocular cystinosis. Also called: Non-Nephropathic Cystinosis; Non-Nephropathic (Ocular) Cystinosis. Identifiers: Orphanet 213, Orphanet 411641, MedGen C2931013, MONDO:0009064, OMIM 219750.
Juvenile nephropathic cystinosis. Also called: Intermediate Cystinosis; CYSTINOSIS, LATE-ONSET JUVENILE OR ADOLESCENT NEPHROPATHIC TYPE; Later-Onset (Juvenile) Cystinosis. Identifiers: Orphanet 213, Orphanet 411634, MedGen C0268626, MONDO:0009066, OMIM 219900.
Nephropathic cystinosis (CTNS). Also called: Abderhalden Lignac Kaufmann disease; Abderhalden-Kaufmann-Lignac syndrome; CYSTINOSIN, DEFECT OF; LYSOSOMAL CYSTINE TRANSPORT PROTEIN, DEFECT OF. Identifiers: Orphanet 213, Orphanet 411629, MedGen C2931187, MONDO:0100151, OMIM 219800.

gnomAD v4.1: 1 of 1,613,952 alleles (0.000062%); highest among the groups gnomAD compares: Admixed American, 0.0017%; no homozygotes.

Submissions (3):

Myriad Genetics, Inc.
Classification: Uncertain significance for Cystinosis. Last evaluated: 2025-09-03. Review status: criteria provided, single submitter. Criteria: Myriad Autosomal Dominant, Autosomal Recessive and X-Linked Classification Criteria (2023). Collection method: clinical testing. Allele origin: unknown.
Comment: NM_004937.2(CTNS):c.923G>C(G308A) is a missense variant classified as a variant of uncertain significance in the context of cystinosis. G308A has not been observed in cases with relevant disease. Relevant functional assessments of this variant are not available in the literature. G308A has not been observed in referenced population frequency databases. In summary, there is insufficient evidence to classify NM_004937.2(CTNS):c.923G>C(G308A) as pathogenic or benign. Please note: this variant was assessed in the context of healthy population screening.

Fulgent Genetics
Classification: Likely pathogenic for Ocular cystinosis; Nephropathic cystinosis; Juvenile nephropathic cystinosis. Last evaluated: 2024-03-30. Review status: criteria provided, single submitter. Criteria: ACMG Guidelines, 2015. Collection method: clinical testing. Allele origin: germline.

Natera, Inc.
Classification: Uncertain significance for Cystinosis. Last evaluated: 2025-04-19. Review status: no assertion criteria provided. Collection method: clinical testing. Allele origin: germline. Not counted in ClinVar's aggregate classification.